The following is an entry in ClinVar:

NM_014850.4(SRGAP3):c.51T>C (p.Tyr17=)

Gene: SRGAP3 (SLIT-ROBO Rho GTPase activating protein 3; minus strand). Cytogenetic location: 3p25.3.
Variant type: single nucleotide variant.
Coding change: c.51T>C on transcript NM_014850.4 (MANE Select); coding-DNA position 51, T replaced by C.
Protein change: p.Tyr17=; no amino-acid change (tyrosine 17 retained).
Molecular consequence: synonymous variant.
Genome position (GRCh38, 1-based): chr3:9,248,901, A>G on the plus strand (T>C on the coding strand, the complement: SRGAP3 is on the minus strand). VCF-style: chr3-9248901-A-G. GRCh37 (hg19) VCF-style: chr3-9290585-A-G.
Other names: c.51T>C, p.Tyr17= (NM_001033117.3).
Identifiers: ClinVar variation 783214 (VCV000783214.7), dbSNP rs144344273, ClinGen allele CA2238271.
Genomic context (GRCh38, chr3:9,248,901, plus strand): 5'-ACGAAAGGGGAGGAGAAGGAAAACTCTCCCAGCCCGCATCTCACCTTTTATTTGGGCTTC[A>G]TATTCAGCAATGATCTCTTTGTCTTTCTTGAACTTAGTTTGAGATGACATCTTCTGACGT-3'
Protein context (NP_055665.1, residues 7-27): FKKDKEIIAE[Tyr17=]EAQIKEIRTQ

ClinVar aggregate classification (germline): Benign. Review status: criteria provided, multiple submitters, no conflicts (2 of 4 stars). 3 submissions from 3 submitters: Benign (2). 1 of the submissions does not count toward it. Last evaluated 2019-12-31.

Conditions:
SRGAP3-related disorder. Also called: SRGAP3-related condition.

Allele frequency attached by ClinVar (database versions not stated): gnomAD exomes 0.00151 and 0.00501; ExAC 0.00445; TOPMed 0.00386; 1000 Genomes Project 0.00619; 1000 Genomes Project 30x 0.00640; ESP Exome Variant Server 0.00054; gnomAD 0.00175 and 0.00215.
gnomAD v4.1: 2,554 of 1,614,240 alleles (0.16%); highest among the groups gnomAD compares: East Asian, 2.4%; 28 homozygotes.

Submissions (3):

Labcorp Genetics (formerly Invitae), Labcorp
Classification: Benign. Last evaluated: 2019-12-31. Review status: criteria provided, single submitter. Criteria: Invitae Variant Classification Sherloc (09022015). Collection method: clinical testing. Allele origin: germline.

Breakthrough Genomics
Classification: Benign. Review status: criteria provided, single submitter. Criteria: ACMG Guidelines, 2015. Collection method: not provided. Allele origin: germline. Inheritance: Unknown mechanism. Affected: yes.

PreventionGenetics, part of Exact Sciences
Classification: Benign for SRGAP3-related condition. Last evaluated: 2019-02-18. Review status: no assertion criteria provided. Collection method: clinical testing. Allele origin: germline. Not counted in ClinVar's aggregate classification.
Comment: This variant is classified as benign based on ACMG/AMP sequence variant interpretation guidelines (Richards et al. 2015 PMID: 25741868, with internal and published modifications).